The following is an entry in ClinVar:

NM_005996.4(TBX3):c.741A>G (p.Thr247=)

Gene: TBX3 (T-box transcription factor 3; minus strand). Cytogenetic location: 12q24.21.
Variant type: single nucleotide variant.
Coding change: c.741A>G on transcript NM_005996.4 (MANE Select); coding-DNA position 741, A replaced by G.
Protein change: p.Thr247=; no amino-acid change (threonine 247 retained).
Molecular consequence: synonymous variant.
Genome position (GRCh38, 1-based): chr12:114,679,568, T>C on the plus strand (A>G on the coding strand, the complement: TBX3 is on the minus strand). VCF-style: chr12-114679568-T-C. GRCh37 (hg19) VCF-style: chr12-115117373-T-C.
Other names: c.801A>G (NM_016569.3); c.801A>G, p.Thr267= (NM_016569.4).
Identifiers: ClinVar variation 2804814 (VCV002804814.4), dbSNP rs1012059056, ClinGen allele CA244151509.

ClinVar aggregate classification (germline): Likely benign. Review status: criteria provided, single submitter (1 of 4 stars). 2 submissions from 2 submitters: Likely benign (1). 1 of the submissions does not count toward it. Last evaluated 2023-02-13.

Conditions:
TBX3-related disorder. Also called: TBX3-related condition.
Ulnar-mammary syndrome (UMS). Also called: Ulnar-mammary syndrome of Pallister; SCHINZEL SYNDROME; PALLISTER ULNAR-MAMMARY SYNDROME. Identifiers: Orphanet 3138, MedGen C1866994, MONDO:0008411, OMIM 181450.

Allele frequency attached by ClinVar (database versions not stated): gnomAD exomes below 0.00001; gnomAD 0.00002.
gnomAD v4.1: 6 of 1,614,062 alleles (0.00037%); highest among the groups gnomAD compares: African/African-American, 0.0013%; no homozygotes.

Submissions (2):

Labcorp Genetics (formerly Invitae), Labcorp
Classification: Likely benign for Ulnar-mammary syndrome. Last evaluated: 2023-02-13. Review status: criteria provided, single submitter. Criteria: Invitae Variant Classification Sherloc (09022015). Collection method: clinical testing. Allele origin: germline.

PreventionGenetics, part of Exact Sciences
Classification: Likely benign for TBX3-related condition. Last evaluated: 2023-01-09. Review status: no assertion criteria provided. Collection method: clinical testing. Allele origin: germline. Not counted in ClinVar's aggregate classification.
Comment: This variant is classified as likely benign based on ACMG/AMP sequence variant interpretation guidelines (Richards et al. 2015 PMID: 25741868, with internal and published modifications).